The following is an entry in ClinVar:

NM_001370658.1(BTD):c.382C>G (p.Arg128Gly)

Gene: BTD (biotinidase; plus strand). Cytogenetic location: 3p25.1.
Variant type: single nucleotide variant.
Coding change: c.382C>G on transcript NM_001370658.1 (MANE Select); coding-DNA position 382, C replaced by G.
Protein change: p.Arg128Gly; replaces arginine 128 with glycine.
Molecular consequence: missense variant.
Genome position (GRCh38, 1-based): chr3:15,642,040, C>G. VCF-style: chr3-15642040-C-G. GRCh37 (hg19) VCF-style: chr3-15683547-C-G.
Other names: c.442C>G, p.Arg148Gly (NM_000060.4); c.382C>G, p.Arg128Gly (NM_001281723.4, NM_001281724.3, NM_001281725.3 and 36 more transcripts); c.445C>G, p.Arg149Gly (NM_001407381.1); short protein forms R128G, R149G, R148G.
Identifiers: ClinVar variation 1015113 (VCV001015113.10), dbSNP rs137877018, ClinGen allele CA351605800.
Genomic context (GRCh38, chr3:15,642,040, plus strand): 5'-TTTTTGGACTTCATGCCGTCTCCCCAGGTGGTCAGGTGGAACCCATGCCTGGAGCCTCAC[C>G]GCTTCAATGACACAGAGGTGATTCCTGCCTTTTTCCTCAGTAGGCTGAGGGTACACAGAG-3'
Protein context (NP_001357587.1, residues 118-138): VRWNPCLEPH[Arg128Gly]FNDTEVLQRL

ClinVar aggregate classification (germline): Uncertain significance (1 of 4 stars; one submission).

Conditions:
Biotinidase deficiency. Also called: Biotin deficiency; BTD deficiency; Late-onset biotin-responsive multiple carboxylase deficiency. Identifiers: Orphanet 79241, MedGen C0220754, MONDO:0009665, OMIM 253260.

Allele frequency attached by ClinVar (database versions not stated): TOPMed 0.00001.
gnomAD v4.1: 2 of 1,614,008 alleles (0.00012%); highest among the groups gnomAD compares: Admixed American, 0.0017%; no homozygotes.

Submission:

Labcorp Genetics (formerly Invitae), Labcorp
Classification: Uncertain significance for Biotinidase deficiency. Last evaluated: 2020-06-29. Review status: criteria provided, single submitter. Criteria: Invitae Variant Classification Sherloc (09022015). Collection method: clinical testing. Allele origin: germline.
Comment: Algorithms developed to predict the effect of missense changes on protein structure and function are either unavailable or do not agree on the potential impact of this missense change (SIFT: "Tolerated"; PolyPhen-2: "Probably Damaging"; Align-GVGD: "Class C0"). This sequence change replaces arginine with glycine at codon 148 of the BTD protein (p.Arg148Gly). The arginine residue is moderately conserved and there is a moderate physicochemical difference between arginine and glycine. This variant is not present in population databases (ExAC no frequency). This variant has not been reported in the literature in individuals with BTD-related conditions. In summary, the available evidence is currently insufficient to determine the role of this variant in disease. Therefore, it has been classified as a Variant of Uncertain Significance.